The following is an entry in ClinVar:

NM_032043.3(BRIP1):c.2906-12T>C

Gene: BRIP1 (BRCA1 interacting DNA helicase 1; minus strand). Cytogenetic location: 17q23.2.
Variant type: single nucleotide variant.
Coding change: c.2906-12T>C on transcript NM_032043.3 (MANE Select); 12 bases into the intron before coding-DNA position 2906, T replaced by C.
Molecular consequence: intron variant.
Genome position (GRCh38, 1-based): chr17:61,684,152, A>G on the plus strand (T>C on the coding strand, the complement: BRIP1 is on the minus strand). VCF-style: chr17-61684152-A-G. GRCh37 (hg19) VCF-style: chr17-59761513-A-G.
Identifiers: ClinVar variation 3378421 (VCV003378421.1).

ClinVar aggregate classification (germline): Likely benign (1 of 4 stars; one submission).

Conditions:
Familial cancer of breast. Also called: hereditary breast carcinoma; Hereditary breast cancer; BREAST CANCER, FAMILIAL. Identifiers: Orphanet 227535, MedGen C0346153, MONDO:0016419, OMIM 114480. Disease mechanism: loss of function.

Submission:

Myriad Genetics, Inc.
Classification: Likely benign for Familial cancer of breast. Last evaluated: 2024-09-09. Review status: criteria provided, single submitter. Criteria: Myriad Autosomal Dominant, Autosomal Recessive and X-Linked Classification Criteria (2023). Collection method: clinical testing. Allele origin: unknown.
Comment: This variant is considered likely benign. This variant is intronic and is not expected to impact mRNA splicing.